The following is an entry in ClinVar:

ClinVar aggregate classification (germline): Pathogenic (1 of 4 stars; one submission).

Conditions:
Baller-Gerold syndrome (BGS). Also called: CRANIOSYNOSTOSIS WITH RADIAL DEFECTS. Identifiers: Orphanet 1225, MedGen C0265308, MONDO:0009039, OMIM 218600.

Allele frequency attached by ClinVar (database versions not stated): gnomAD exomes below 0.00001; TOPMed below 0.00001.

Submission:

Labcorp Genetics (formerly Invitae), Labcorp
Classification: Pathogenic for Baller-Gerold syndrome. Last evaluated: 2024-04-10. Review status: criteria provided, single submitter. Criteria: Invitae Variant Classification Sherloc (09022015). Collection method: clinical testing. Allele origin: germline.
Comment: This sequence change affects an acceptor splice site in intron 16 of the RECQL4 gene. It is expected to disrupt RNA splicing. Variants that disrupt the donor or acceptor splice site typically lead to a loss of protein function (PMID: 16199547), and loss-of-function variants in RECQL4 are known to be pathogenic (PMID: 12734318, 12952869). This variant is present in population databases (no rsID available, gnomAD 0.0009%). Disruption of this splice site has been observed in individuals with Rothmund-Thomson syndrome (PMID: 16630167, 18504617, 34155702). ClinVar contains an entry for this variant (Variation ID: 579745). Algorithms developed to predict the effect of sequence changes on RNA splicing suggest that this variant may disrupt the consensus splice site. For these reasons, this variant has been classified as Pathogenic.

Literature cited by the submitters: PubMed 16199547; PubMed 12734318; PubMed 12952869; PubMed 16630167; PubMed 18504617; PubMed 34155702.

NM_004260.4(RECQL4):c.2886-2A>G

Gene: RECQL4 (RecQ like helicase 4; minus strand). Cytogenetic location: 8q24.3.
Variant type: single nucleotide variant.
Coding change: c.2886-2A>G on transcript NM_004260.4 (MANE Select); the canonical splice acceptor site of the intron before coding-DNA position 2886, A replaced by G.
Molecular consequence: splice acceptor variant.
Genome position (GRCh38, 1-based): chr8:144,512,563, T>C on the plus strand (A>G on the coding strand, the complement: RECQL4 is on the minus strand). VCF-style: chr8-144512563-T-C. GRCh37 (hg19) VCF-style: chr8-145737946-T-C.
Other names: c.2757-2A>G (NM_001413025.1); c.2535-2A>G (NM_001413029.1); c.1749-2A>G (NM_001413032.1, NM_001413027.1, NM_001413030.1); c.1815-2A>G (NM_001413035.1, NM_001413040.1, NM_001413021.1 and 4 more transcripts); c.2592-2A>G (NM_001413017.1); c.2790-2A>G (NM_001413020.1); c.2856-2A>G (NM_001413039.1); c.2754-2A>G (NM_001413033.1); and 9 more.
Identifiers: ClinVar variation 579745 (VCV000579745.6), dbSNP rs1402322681, ClinGen allele CA372673725.